The following is an entry in ClinVar:

ClinVar aggregate classification (germline): Uncertain significance. Review status: criteria provided, multiple submitters, no conflicts (2 of 4 stars). 2 submissions from 2 submitters: Uncertain significance (2). Last evaluated 2025-03-07.

Conditions:
Inborn genetic diseases. Identifiers: MedGen C0950123, MeSH D030342.
Retinitis pigmentosa 73 (RP73). Identifiers: Orphanet 791, MedGen C4225287, MONDO:0014687, OMIM 616544.
Mucopolysaccharidosis, MPS-III-C (MPS3C). Also called: MPS IIIC (Sanfilippo Syndrome Type C); MUCOPOLYSACCHARIDOSIS, TYPE IIIC; Mucopolysaccharidosis type IIIC (Sanfilippo C); SANFILIPPO SYNDROME C; MPS III C; mucopolysaccharidosis type 3C. Identifiers: Orphanet 581, Orphanet 79271, MedGen C0086649, MONDO:0009657, OMIM 252930.

Allele frequency attached by ClinVar (database versions not stated): gnomAD 0.00001; gnomAD exomes 0.00002 and 0.00001; TOPMed below 0.00001; ExAC 0.00001.
gnomAD v4.1: 5 of 1,594,044 alleles (0.00031%); highest among the groups gnomAD compares: Admixed American, 0.007%; no homozygotes.

Submissions (2):

Ambry Genetics
Classification: Uncertain significance for Inborn genetic diseases. Last evaluated: 2025-03-07. Review status: criteria provided, single submitter. Criteria: Ambry Variant Classification Scheme 2023. Collection method: clinical testing. Allele origin: germline.

Labcorp Genetics (formerly Invitae), Labcorp
Classification: Uncertain significance for Retinitis pigmentosa 73; Mucopolysaccharidosis, MPS-III-C. Last evaluated: 2024-11-05. Review status: criteria provided, single submitter. Criteria: Invitae Variant Classification Sherloc (09022015). Collection method: clinical testing. Allele origin: germline.
Comment: This sequence change replaces tyrosine, which is neutral and polar, with cysteine, which is neutral and slightly polar, at codon 624 of the HGSNAT protein (p.Tyr624Cys). This variant is present in population databases (rs773631016, gnomAD 0.01%). This variant has not been reported in the literature in individuals affected with HGSNAT-related conditions. ClinVar contains an entry for this variant (Variation ID: 1363644). Invitae Evidence Modeling of protein sequence and biophysical properties (such as structural, functional, and spatial information, amino acid conservation, physicochemical variation, residue mobility, and thermodynamic stability) has been performed for this missense variant. However, the output from this modeling did not meet the statistical confidence thresholds required to predict the impact of this variant on HGSNAT protein function. In summary, the available evidence is currently insufficient to determine the role of this variant in disease. Therefore, it has been classified as a Variant of Uncertain Significance.

NM_152419.3(HGSNAT):c.1871A>G (p.Tyr624Cys)

Gene: HGSNAT (heparan-alpha-glucosaminide N-acetyltransferase; plus strand). Cytogenetic location: 8p11.21.
Variant type: single nucleotide variant.
Coding change: c.1871A>G on transcript NM_152419.3 (MANE Select); coding-DNA position 1871, A replaced by G.
Protein change: p.Tyr624Cys; replaces tyrosine 624 with cysteine.
Molecular consequence: missense variant.
Genome position (GRCh38, 1-based): chr8:43,199,532, A>G. VCF-style: chr8-43199532-A-G. GRCh37 (hg19) VCF-style: chr8-43054675-A-G.
Other names: c.1871A>G (NM_152419.2); c.1958A>G, p.Tyr653Cys (NM_001363227.2); c.1679A>G, p.Tyr560Cys (NM_001363228.2); c.1007A>G, p.Tyr336Cys (NM_001363229.2); short protein forms Y624C, Y653C, Y560C, Y336C.
Identifiers: ClinVar variation 1363644 (VCV001363644.8), dbSNP rs773631016, ClinGen allele CA4737041.